The following is an entry in ClinVar:

ClinVar aggregate classification (germline): Uncertain significance (1 of 4 stars; one submission).

Conditions:
Hypertrophic cardiomyopathy. Also called: HYPERTROPHIC MYOCARDIOPATHY. Identifiers: Orphanet 217569, MedGen C0007194, MeSH D002312, MONDO:0005045, HP:0001639.

Submission:

Labcorp Genetics (formerly Invitae), Labcorp
Classification: Uncertain significance for Hypertrophic cardiomyopathy. Last evaluated: 2021-12-29. Review status: criteria provided, single submitter. Criteria: Invitae Variant Classification Sherloc (09022015). Collection method: clinical testing. Allele origin: germline.
Comment: In summary, the available evidence is currently insufficient to determine the role of this variant in disease. Therefore, it has been classified as a Variant of Uncertain Significance. Experimental studies and prediction algorithms are not available or were not evaluated, and the functional significance of this variant is currently unknown. This variant has not been reported in the literature in individuals affected with MYH7-related conditions. This variant is not present in population databases (gnomAD no frequency). This variant, c.682_693dup, results in the insertion of 4 amino acid(s) of the MYH7 protein (p.Glu228_Gly231dup), but otherwise preserves the integrity of the reading frame.

NM_000257.4(MYH7):c.682_693dup (p.Gly231_Asn232insGluAlaPheGly)

Gene: MYH7 (myosin heavy chain 7; minus strand). Cytogenetic location: 14q11.2.
Variant type: Duplication.
Coding change: c.682_693dup on transcript NM_000257.4 (MANE Select); coding-DNA positions 682 to 693, 12 bases duplicated (GAGGCCTTTGGC).
Protein change: p.Gly231_Asn232insGluAlaPheGly.
Molecular consequence: inframe insertion. On other transcripts: inframe indel (1).
Genome position (GRCh38, 1-based): chr14:23,431,624-23,431,635, GCCAAAGGCCTC duplicated on the plus strand (GAGGCCTTTGGC on the coding strand, the reverse complement: MYH7 is on the minus strand). VCF-style (leftmost placement, unchanged base first): chr14-23431623-T-TGCCAAAGGCCTC. GRCh37 (hg19) VCF-style: chr14-23900832-T-TGCCAAAGGCCTC.
Other names: c.682_693dup, p.Gly231_Asn232insGluAlaPheGly (NM_001407004.1).
Identifiers: ClinVar variation 2064936 (VCV002064936.4), dbSNP rs2502312856, ClinGen allele CA2580087899.